The following is an entry in ClinVar:

ClinVar aggregate classification (germline): Uncertain significance (1 of 4 stars; one submission).

Conditions:
Cardiovascular phenotype. Identifiers: MedGen CN230736.

gnomAD v4.1: 7 of 1,245,882 alleles (0.00056%); highest among the groups gnomAD compares: Non-Finnish European, 0.0008%; no homozygotes.

Submission:

Ambry Genetics
Classification: Uncertain significance for Cardiovascular phenotype. Last evaluated: 2024-05-02. Review status: criteria provided, single submitter. Criteria: Ambry Variant Classification Scheme 2023. Collection method: clinical testing. Allele origin: germline.
Comment: The p.H1566D variant (also known as c.4696C>G), located in coding exon 18 of the AKAP9 gene, results from a C to G substitution at nucleotide position 4696. The histidine at codon 1566 is replaced by aspartic acid, an amino acid with similar properties. This amino acid position is conserved. In addition, this alteration is predicted to be tolerated by in silico analysis. Based on the available evidence, the clinical significance of this variant remains unclear.

NM_005751.5(AKAP9):c.4696C>G (p.His1566Asp)

Gene: AKAP9 (A-kinase anchoring protein 9; plus strand). Cytogenetic location: 7q21.2.
Variant type: single nucleotide variant.
Coding change: c.4696C>G on transcript NM_005751.5 (MANE Select); coding-DNA position 4696, C replaced by G.
Protein change: p.His1566Asp; replaces histidine 1566 with aspartic acid.
Molecular consequence: missense variant.
Genome position (GRCh38, 1-based): chr7:92,040,677, C>G. VCF-style: chr7-92040677-C-G. GRCh37 (hg19) VCF-style: chr7-91669991-C-G.
Other names: c.4696C>G, p.His1566Asp (NM_147185.3); short protein forms H1566D.
Identifiers: ClinVar variation 3281960 (VCV003281960.1).